The following is an entry in ClinVar:

ClinVar aggregate classification (germline): Uncertain significance (1 of 4 stars; one submission).

Allele frequency attached by ClinVar (database versions not stated): gnomAD 0.00001; gnomAD exomes 0.00001; TOPMed 0.00002.
gnomAD v4.1: 8 of 1,613,254 alleles (0.0005%); highest among the groups gnomAD compares: Non-Finnish European, 0.00068%; no homozygotes.

Submission:

GeneDx
Classification: Uncertain significance. Last evaluated: 2014-08-04. Review status: criteria provided, single submitter. Criteria: GeneDx Variant Classification (06012015). Collection method: clinical testing. Allele origin: germline. Affected: yes.
Comment: Missense variants in the TTN gene are considered 'unclassified' if they are not previously reported in the literature and do not have >1% frequency in the population to be considered a polymorphism. Research indicates that truncating mutations in the TTN gene are expected to account for approximately 25% of familial and 18% of sporadic idiopathic DCM; however, truncating variants in the TTN gene have been reported in approximately 3% of reported control alleles. There has been little investigation into non-truncating variants. (Herman D et al. Truncations of titin causing dilated cardiomyopathy. N Eng J Med 366:619-628, 2012) The variant is found in CARDIOMYOPATHY panel(s).

NM_133379.5(TTN):c.16364C>T (p.Ala5455Val)

Gene: TTN (titin; minus strand). Cytogenetic location: 2q31.2.
Variant type: single nucleotide variant.
Coding change: c.16364C>T on transcript NM_133379.5; coding-DNA position 16364, C replaced by T.
Protein change: p.Ala5455Val; replaces alanine 5455 with valine.
Molecular consequence: missense variant. On other transcripts: intron variant (6).
Genome position (GRCh38, 1-based): chr2:178,746,036, G>A on the plus strand (C>T on the coding strand, the complement: TTN is on the minus strand). VCF-style: chr2-178746036-G-A. GRCh37 (hg19) VCF-style: chr2-179610763-G-A.
Other names: p.A5455V:GCT>GTT; c.10223-4115C>T (NM_003319.4); c.10799-4115C>T (NM_133437.4); c.10598-4115C>T (NM_133432.3); c.10360+7088C>T (NM_133378.4); c.10361-4115C>T (NM_001256850.1); c.11312-4115C>T (NM_001267550.2); short protein forms A5455V.
Identifiers: ClinVar variation 203216 (VCV000203216.2), dbSNP rs749371657, ClinGen allele CA311707.